The following is an entry in ClinVar:

NM_001999.4(FBN2):c.4559G>A (p.Gly1520Asp)

Gene: FBN2 (fibrillin 2; minus strand). Cytogenetic location: 5q23.3.
Variant type: single nucleotide variant.
Coding change: c.4559G>A on transcript NM_001999.4 (MANE Select); coding-DNA position 4559, G replaced by A.
Protein change: p.Gly1520Asp; replaces glycine 1520 with aspartic acid.
Molecular consequence: missense variant.
Genome position (GRCh38, 1-based): chr5:128,318,914, C>T on the plus strand (G>A on the coding strand, the complement: FBN2 is on the minus strand). VCF-style: chr5-128318914-C-T. GRCh37 (hg19) VCF-style: chr5-127654606-C-T.
Other names: short protein forms G1520D.
Identifiers: ClinVar variation 3632671 (VCV003632671.2).

ClinVar aggregate classification (germline): Uncertain significance (1 of 4 stars; one submission).

Conditions:
Congenital contractural arachnodactyly (CCA). Also called: BEALS SYNDROME; Arthrogryposis, distal, type 9; Beals-Hecht syndrome. Identifiers: Orphanet 115, MedGen C0220668, MONDO:0007363, OMIM 121050.

Submission:

Labcorp Genetics (formerly Invitae), Labcorp
Classification: Uncertain significance for Congenital contractural arachnodactyly. Last evaluated: 2024-01-26. Review status: criteria provided, single submitter. Criteria: Invitae Variant Classification Sherloc (09022015). Collection method: clinical testing. Allele origin: germline.
Comment: This sequence change replaces glycine, which is neutral and non-polar, with aspartic acid, which is acidic and polar, at codon 1520 of the FBN2 protein (p.Gly1520Asp). This variant is not present in population databases (gnomAD no frequency). This variant has not been reported in the literature in individuals affected with FBN2-related conditions. Advanced modeling of protein sequence and biophysical properties (such as structural, functional, and spatial information, amino acid conservation, physicochemical variation, residue mobility, and thermodynamic stability) performed at Invitae indicates that this missense variant is expected to disrupt FBN2 protein function with a positive predictive value of 80%. In summary, the available evidence is currently insufficient to determine the role of this variant in disease. Therefore, it has been classified as a Variant of Uncertain Significance.